The following is an entry in ClinVar:

ClinVar aggregate classification (germline): Uncertain significance (1 of 4 stars; one submission).

gnomAD v4.1: 4 of 1,614,098 alleles (0.00025%); highest among the groups gnomAD compares: South Asian, 0.0044%; no homozygotes.

Submission:

GeneDx
Classification: Uncertain significance. Last evaluated: 2023-12-29. Review status: criteria provided, single submitter. Criteria: GeneDx Variant Classification Process June 2021. Collection method: clinical testing. Allele origin: germline. Affected: yes.
Comment: Not observed at significant frequency in large population cohorts (gnomAD); In silico analysis supports that this missense variant has a deleterious effect on protein structure/function; Has not been previously published as pathogenic or benign to our knowledge

NM_001378454.1(ALMS1):c.1020T>A (p.Asp340Glu)

Gene: ALMS1 (ALMS1 centrosome and basal body associated protein; plus strand). Cytogenetic location: 2p13.1.
Variant type: single nucleotide variant.
Coding change: c.1020T>A on transcript NM_001378454.1 (MANE Select); coding-DNA position 1020, T replaced by A.
Protein change: p.Asp340Glu; replaces aspartic acid 340 with glutamic acid.
Molecular consequence: missense variant.
Genome position (GRCh38, 1-based): chr2:73,424,685, T>A. VCF-style: chr2-73424685-T-A. GRCh37 (hg19) VCF-style: chr2-73651813-T-A.
Other names: c.1023T>A, p.Asp341Glu (NM_015120.4); short protein forms D340E, D341E.
Identifiers: ClinVar variation 3342670 (VCV003342670.1).
Genomic context (GRCh38, chr2:73,424,685, plus strand): 5'-TGAAGAGACTATTTCGTCTGTTGATGAACTGAAAATTCCCAAAGACTGTGATCGTTATGA[T>A]GATCTTTGTTCATATATGTCATGGAAGACACGAAAAGATACACAGTGGCCTGAAAACAAT-3'
Protein context (NP_001365383.1, residues 330-350): LKIPKDCDRY[Asp340Glu]DLCSYMSWKT